The following is an entry in ClinVar:

NM_001371623.1(TCOF1):c.3856C>T (p.Gln1286Ter)

Gene: TCOF1 (treacle ribosome biogenesis factor 1; plus strand). Cytogenetic location: 5q32.
Variant type: single nucleotide variant.
Coding change: c.3856C>T on transcript NM_001371623.1 (MANE Select); coding-DNA position 3856, C replaced by T.
Protein change: p.Gln1286Ter; replaces glutamine 1286 with a stop codon.
Molecular consequence: nonsense.
Genome position (GRCh38, 1-based): chr5:150,396,353, C>T. VCF-style: chr5-150396353-C-T. GRCh37 (hg19) VCF-style: chr5-149775916-C-T.
Other names: c.3622C>T, p.Gln1208Ter (NM_000356.4); c.3853C>T, p.Gln1285Ter (NM_001135243.2); c.3742C>T, p.Gln1248Ter (NM_001135244.2); c.3625C>T, p.Gln1209Ter (NM_001135245.2); c.3739C>T, p.Gln1247Ter (NM_001195141.2); short protein forms Q1208*, Q1209*, Q1247*, Q1248*, Q1285*, Q1286*.
Identifiers: ClinVar variation 1687421 (VCV001687421.1), dbSNP rs2151099050, ClinGen allele CA361741411.

ClinVar aggregate classification (germline): Likely pathogenic (1 of 4 stars; one submission).

Conditions:
Treacher Collins syndrome 1 (TCS1). Also called: TCOF1-Related Treacher Collins Syndrome. Identifiers: Orphanet 861, MedGen CN315775, MONDO:0007944, OMIM 154500.

Submission:

3billion
Classification: Likely pathogenic for Treacher Collins syndrome 1. Last evaluated: 2022-05-22. Review status: criteria provided, single submitter. Criteria: ACMG Guidelines, 2015. Collection method: clinical testing. Allele origin: germline. Affected: yes. Observed: 1 heterozygote.
Comment: The variant is not observed in the gnomAD v2.1.1 dataset. Stop-gained (nonsense): predicted to result in a loss or disruption of normal protein function through nonsense-mediated decay (NMD) or protein truncation. Multiple pathogenic variants are reported downstream of the variant. Therefore, this variant is classified as likely pathogenic according to the recommendation of ACMG/AMP guideline.